The following is an entry in ClinVar:

NM_017802.4(DNAAF5):c.2510C>T (p.Ser837Leu)

Gene: DNAAF5 (dynein axonemal assembly factor 5; plus strand). Cytogenetic location: 7p22.3.
Variant type: single nucleotide variant.
Coding change: c.2510C>T on transcript NM_017802.4 (MANE Select); coding-DNA position 2510, C replaced by T.
Protein change: p.Ser837Leu; replaces serine 837 with leucine.
Molecular consequence: missense variant. On other transcripts: non-coding transcript variant (1).
Genome position (GRCh38, 1-based): chr7:785,595, C>T. VCF-style: chr7-785595-C-T. GRCh37 (hg19) VCF-style: chr7-825232-C-T.
Other names: short protein forms S837L.
Identifiers: ClinVar variation 1500969 (VCV001500969.8), dbSNP rs115620965, ClinGen allele CA4111230.
Genomic context (GRCh38, chr7:785,595, plus strand): 5'-GCGGGCTGTTCCCAGATCTCCTGGTGAGGGAGACGGAGGCCGTCATCCACAAGCACCGCT[C>T]GGCCACCTACTGCGAGCAGCTCCTGCAGCATGTGCAGGCCGTGCCAGCCACACAGTGACC-3'
Protein context (NP_060272.3, residues 827-847): ETEAVIHKHR[Ser837Leu]ATYCEQLLQH

ClinVar aggregate classification (germline): Uncertain significance. Review status: criteria provided, multiple submitters, no conflicts (2 of 4 stars). 3 submissions from 3 submitters: Uncertain significance (3). Last evaluated 2023-08-31.

Conditions:
Primary ciliary dyskinesia 18. Also called: CILIARY DYSKINESIA, PRIMARY, 18, WITH OR WITHOUT SITUS INVERSUS. Identifiers: Orphanet 244, MedGen C3543825, MONDO:0013940, OMIM 614874.
Primary ciliary dyskinesia. Also called: Ciliary dyskinesia. Identifiers: Orphanet 244, MedGen C0008780, MONDO:0016575, HP:0012265.

Allele frequency attached by ClinVar (database versions not stated): 1000 Genomes Project 30x 0.00062; gnomAD exomes 0.00005; ExAC 0.00009; gnomAD 0.00021; TOPMed 0.00028; ESP Exome Variant Server 0.00046; 1000 Genomes Project 0.00060.
gnomAD v4.1: 73 of 1,613,264 alleles (0.0045%); highest among the groups gnomAD compares: African/African-American, 0.081%; no homozygotes.

Submissions (3):

Labcorp Genetics (formerly Invitae), Labcorp
Classification: Uncertain significance for Primary ciliary dyskinesia. Last evaluated: 2023-08-31. Review status: criteria provided, single submitter. Criteria: Invitae Variant Classification Sherloc (09022015). Collection method: clinical testing. Allele origin: germline.
Comment: ClinVar contains an entry for this variant (Variation ID: 1500969). This sequence change replaces serine, which is neutral and polar, with leucine, which is neutral and non-polar, at codon 837 of the DNAAF5 protein (p.Ser837Leu). This variant is present in population databases (rs115620965, gnomAD 0.05%). This variant has not been reported in the literature in individuals affected with DNAAF5-related conditions. Advanced modeling of protein sequence and biophysical properties (such as structural, functional, and spatial information, amino acid conservation, physicochemical variation, residue mobility, and thermodynamic stability) performed at Invitae indicates that this missense variant is expected to disrupt DNAAF5 protein function. In summary, the available evidence is currently insufficient to determine the role of this variant in disease. Therefore, it has been classified as a Variant of Uncertain Significance.

Fulgent Genetics
Classification: Uncertain significance for Primary ciliary dyskinesia 18. Last evaluated: 2021-07-07. Review status: criteria provided, single submitter. Criteria: ACMG Guidelines, 2015. Collection method: clinical testing. Allele origin: unknown.

Ambry Genetics
Classification: Uncertain significance for Primary ciliary dyskinesia. Last evaluated: 2021-07-06. Review status: criteria provided, single submitter. Criteria: Ambry Variant Classification Scheme 2023. Collection method: clinical testing. Allele origin: germline.